The following is an entry in ClinVar:

NM_000489.6(ATRX):c.631C>T (p.Arg211Cys)

Gene: ATRX (ATRX chromatin remodeler; minus strand). Cytogenetic location: Xq21.1.
Variant type: single nucleotide variant.
Coding change: c.631C>T on transcript NM_000489.6 (MANE Select); coding-DNA position 631, C replaced by T.
Protein change: p.Arg211Cys; replaces arginine 211 with cysteine.
Molecular consequence: missense variant.
Genome position (GRCh38, 1-based): chrX:77,684,970, G>A on the plus strand (C>T on the coding strand, the complement: ATRX is on the minus strand). VCF-style: chrX-77684970-G-A. GRCh37 (hg19) VCF-style: chrX-76940462-G-A.
Other names: c.517C>T, p.Arg173Cys (NM_138270.5); short protein forms R211C, R173C.
Identifiers: ClinVar variation 387600 (VCV000387600.11), dbSNP rs782241890, ClinGen allele CA10458285.

ClinVar aggregate classification (germline): Conflicting classifications of pathogenicity. Review status: criteria provided, conflicting classifications (1 of 4 stars). 3 submissions from 3 submitters: Uncertain significance (1); Likely benign (1). 1 of the submissions does not count toward it. Last evaluated 2022-10-13.

Conditions:
Alpha thalassemia-X-linked intellectual disability syndrome (ATRX). Also called: ALPHA-THALASSEMIA/MENTAL RETARDATION SYNDROME, X-LINKED; X-linked alpha-thalassemia-mental retardation syndrome; ATR-X syndrome; Alpha thalassemia mental retardation syndrome, nondeletion type, X-linked; XLMR hypotonic face syndrome; ATR, NONDELETION TYPE. Identifiers: Orphanet 847, MedGen C1845055, MONDO:0010519, OMIM 301040.

Allele frequency attached by ClinVar (database versions not stated): gnomAD exomes 0.00001 and 0.00002; TOPMed 0.00001; ExAC 0.00001.

Submissions (3):

Labcorp Genetics (formerly Invitae), Labcorp
Classification: Likely benign for Alpha thalassemia-X-linked intellectual disability syndrome. Last evaluated: 2022-10-13. Review status: criteria provided, single submitter. Criteria: Invitae Variant Classification Sherloc (09022015). Collection method: clinical testing. Allele origin: germline.

GeneDx
Classification: Uncertain significance. Last evaluated: 2016-07-05. Review status: criteria provided, single submitter. Criteria: GeneDx Variant Classification (06012015). Collection method: clinical testing. Allele origin: germline. Affected: yes.
Comment: The R211C variant in the ATRX gene has not been reported previously as a pathogenic variant, nor as a benign variant, to our knowledge. The R211C variant was not observed in approximately 6500 individuals of European and African American ancestry in the NHLBI Exome Sequencing Project, indicating it is not a common benign variant in these populations. The R211C variant is a non-conservative amino acid substitution, which is likely to impact secondary protein structure as these residues differ in polarity, charge, size and/or other properties. This substitution occurs in the ADD domain at a position where amino acids with similar properties to Arginine are tolerated across species. Half of all reported missense variants in ATRX occur in the ADD domain and are presumed to have structural consequences on the ATRX protein and impact histone methylation (Argentaro et al., 2007; Iwase et al., 2011; Stenson et al., 2014). In silico analysis predicts this variant is probably damaging to the protein structure/function. We interpret R211C as a variant of uncertain significance.

Natera, Inc.
Classification: Uncertain significance for X-linked alpha-thalassemia-mental retardation syndrome. Last evaluated: 2019-10-28. Review status: no assertion criteria provided. Collection method: clinical testing. Allele origin: germline. Not counted in ClinVar's aggregate classification.